The following is an entry in ClinVar:

ClinVar aggregate classification (germline): Uncertain significance. Review status: criteria provided, multiple submitters, no conflicts (2 of 4 stars). 2 submissions from 2 submitters: Uncertain significance (2). Last evaluated 2023-12-13.

Conditions:
Inborn genetic diseases. Identifiers: MedGen C0950123, MeSH D030342.

Allele frequency attached by ClinVar (database versions not stated): gnomAD exomes below 0.00001; ExAC 0.00001; gnomAD 0.00005; TOPMed 0.00014; 1000 Genomes Project 30x 0.00016; 1000 Genomes Project 0.00020.
gnomAD v4.1: 17 of 1,613,288 alleles (0.0011%); highest among the groups gnomAD compares: Admixed American, 0.017%; no homozygotes.

Submissions (2):

Labcorp Genetics (formerly Invitae), Labcorp
Classification: Uncertain significance. Last evaluated: 2023-12-13. Review status: criteria provided, single submitter. Criteria: Invitae Variant Classification Sherloc (09022015). Collection method: clinical testing. Allele origin: germline.
Comment: This sequence change replaces glycine, which is neutral and non-polar, with serine, which is neutral and polar, at codon 5 of the ATR protein (p.Gly5Ser). This variant is present in population databases (rs542947776, gnomAD 0.003%). This variant has not been reported in the literature in individuals affected with ATR-related conditions. ClinVar contains an entry for this variant (Variation ID: 1036454). An algorithm developed to predict the effect of missense changes on protein structure and function (PolyPhen-2) suggests that this variant¬†is likely to be tolerated. In summary, the available evidence is currently insufficient to determine the role of this variant in disease. Therefore, it has been classified as a Variant of Uncertain Significance.

Ambry Genetics
Classification: Uncertain significance for Inborn genetic diseases. Last evaluated: 2023-01-05. Review status: criteria provided, single submitter. Criteria: Ambry Variant Classification Scheme 2023. Collection method: clinical testing. Allele origin: germline.
Comment: The p.G5S variant (also known as c.13G>A), located in coding exon 1 of the ATR gene, results from a G to A substitution at nucleotide position 13. The glycine at codon 5 is replaced by serine, an amino acid with similar properties. This amino acid position is conserved. In addition, this alteration is predicted to be tolerated by in silico analysis. Since supporting evidence is limited at this time, the clinical significance of this alteration remains unclear.

NM_001184.4(ATR):c.13G>A (p.Gly5Ser)

Gene: ATR (ATR serine/threonine kinase; minus strand). Cytogenetic location: 3q23.
Variant type: single nucleotide variant.
Coding change: c.13G>A on transcript NM_001184.4 (MANE Select); coding-DNA position 13, G replaced by A.
Protein change: p.Gly5Ser; replaces glycine 5 with serine.
Molecular consequence: missense variant.
Genome position (GRCh38, 1-based): chr3:142,578,692, C>T on the plus strand (G>A on the coding strand, the complement: ATR is on the minus strand). VCF-style: chr3-142578692-C-T. GRCh37 (hg19) VCF-style: chr3-142297534-C-T.
Other names: c.13G>A, p.Gly5Ser (NM_001354579.2); c.13G>A (NM_001184.3); short protein forms G5S.
Identifiers: ClinVar variation 1036454 (VCV001036454.6), dbSNP rs542947776, ClinGen allele CA2650879.